The following is an entry in ClinVar:

NM_004484.4(GPC3):c.1027A>G (p.Thr343Ala)

Gene: GPC3 (glypican 3; minus strand). Cytogenetic location: Xq26.2.
Variant type: single nucleotide variant.
Coding change: c.1027A>G on transcript NM_004484.4 (MANE Select); coding-DNA position 1027, A replaced by G.
Protein change: p.Thr343Ala; replaces threonine 343 with alanine.
Molecular consequence: missense variant.
Genome position (GRCh38, 1-based): chrX:133,753,487, T>C on the plus strand (A>G on the coding strand, the complement: GPC3 is on the minus strand). VCF-style: chrX-133753487-T-C. GRCh37 (hg19) VCF-style: chrX-132887514-T-C.
Other names: c.1027A>G, p.Thr343Ala (NM_001164617.2); c.979A>G, p.Thr327Ala (NM_001164618.2); c.865A>G, p.Thr289Ala (NM_001164619.2); short protein forms T327A, T289A, T343A.
Identifiers: ClinVar variation 959477 (VCV000959477.10), dbSNP rs2071687500, ClinGen allele CA414705013.
Genomic context (GRCh38, chrX:133,753,487, plus strand): 5'-GCCACCTCACCCCAATAAGGCCCAAATCCTCTGACAACTGTAGACTGGTACTCACAGTGG[T>C]GGTCAGCTTTCCTGCATTCTTCTGGACATACTGGATAGAATCATGGATTGTTGAAAAGAG-3'
Protein context (NP_004475.1, residues 333-353): YVQKNAGKLT[Thr343Ala]TIGKLCAHSQ

ClinVar aggregate classification (germline): Uncertain significance (1 of 4 stars; one submission).

Conditions:
Wilms tumor 1 (WT1). Also called: Wilms tumor, somatic. Identifiers: Orphanet 654, MedGen CN033288, MONDO:0008679, OMIM 194070.

Allele frequency attached by ClinVar (database versions not stated): TOPMed 0.00001.

Submission:

Labcorp Genetics (formerly Invitae), Labcorp
Classification: Uncertain significance for Wilms tumor 1. Last evaluated: 2019-08-12. Review status: criteria provided, single submitter. Criteria: Invitae Variant Classification Sherloc (09022015). Collection method: clinical testing. Allele origin: germline.
Comment: In summary, the available evidence is currently insufficient to determine the role of this variant in disease. Therefore, it has been classified as a Variant of Uncertain Significance. Algorithms developed to predict the effect of missense changes on protein structure and function output the following: SIFT: "Tolerated"; PolyPhen-2: "Benign"; Align-GVGD: "Class C0". The alanine amino acid residue is found in multiple mammalian species, suggesting that this missense change does not adversely affect protein function. These predictions have not been confirmed by published functional studies and their clinical significance is uncertain. This variant has not been reported in the literature in individuals with GPC3-related conditions. This variant is not present in population databases (ExAC no frequency). This sequence change replaces threonine with alanine at codon 343 of the GPC3 protein (p.Thr343Ala). The threonine residue is moderately conserved and there is a small physicochemical difference between threonine and alanine.